The following is an entry in ClinVar:

ClinVar aggregate classification (germline): Benign (1 of 4 stars; one submission).

Conditions:
Episodic ataxia type 1 (EA1). Also called: ATAXIA, EPISODIC, WITH MYOKYMIA; MYOKYMIA WITH PERIODIC ATAXIA; PAROXYSMAL ATAXIA WITH NEUROMYOTONIA, HEREDITARY; Episodic ataxia/myokymia syndrome. Identifiers: Orphanet 37612, Orphanet 972, MedGen C1719788, MONDO:0008047, OMIM 160120.

Allele frequency attached by ClinVar (database versions not stated): TOPMed 0.00020; gnomAD 0.00023 and 0.00025; 1000 Genomes Project 30x 0.00047; 1000 Genomes Project 0.00060.
gnomAD v4.1: 34 of 167,252 alleles (0.02%); highest among the groups gnomAD compares: African/African-American, 0.079%; no homozygotes.

Submission:

Illumina Laboratory Services, Illumina
Classification: Benign for Episodic ataxia type 1. Last evaluated: 2018-01-13. Review status: criteria provided, single submitter. Criteria: ICSL Variant Classification Criteria 13 December 2019. Collection method: clinical testing. Allele origin: germline.
Comment: This variant was observed in the ICSL laboratory as part of a predisposition screen in an ostensibly healthy population. It had not been previously curated by ICSL or reported in the Human Gene Mutation Database (HGMD: prior to June 1st, 2018), and was therefore a candidate for classification through an automated scoring system. Utilizing variant allele frequency, disease prevalence and penetrance estimates, and inheritance mode, an automated score was calculated to assess if this variant is too frequent to cause the disease. Based on the score and internal cut-off values, a variant classified as benign is not then subjected to further curation. The score for this variant resulted in a classification of benign for this disease.

NM_000217.3(KCNA1):c.*5209C>T

Gene: KCNA1 (potassium voltage-gated channel subfamily A member 1; plus strand). Cytogenetic location: 12p13.32.
Variant type: single nucleotide variant.
Coding change: c.*5209C>T on transcript NM_000217.3 (MANE Select); 5209 bases downstream of the stop codon, C replaced by T.
Molecular consequence: 3 prime UTR variant.
Genome position (GRCh38, 1-based): chr12:4,918,075, C>T. VCF-style: chr12-4918075-C-T. GRCh37 (hg19) VCF-style: chr12-5027241-C-T.
Identifiers: ClinVar variation 309226 (VCV000309226.6), dbSNP rs189939908, ClinGen allele CA10641625.